The following is an entry in ClinVar:

NM_006231.4(POLE):c.3975C>G (p.Ser1325Arg)

Gene: POLE (DNA polymerase epsilon, catalytic subunit; minus strand). Cytogenetic location: 12q24.33.
Variant type: single nucleotide variant.
Coding change: c.3975C>G on transcript NM_006231.4 (MANE Select); coding-DNA position 3975, C replaced by G.
Protein change: p.Ser1325Arg; replaces serine 1325 with arginine.
Molecular consequence: missense variant.
Genome position (GRCh38, 1-based): chr12:132,649,336, G>C on the plus strand (C>G on the coding strand, the complement: POLE is on the minus strand). VCF-style: chr12-132649336-G-C. GRCh37 (hg19) VCF-style: chr12-133225922-G-C.
Other names: short protein forms S1325R.
Identifiers: ClinVar variation 1736642 (VCV001736642.5), dbSNP rs749011369, ClinGen allele CA387384759.

ClinVar aggregate classification (germline): Uncertain significance. Review status: criteria provided, multiple submitters, no conflicts (2 of 4 stars). 2 submissions from 2 submitters: Uncertain significance (2). Last evaluated 2025-10-15.

Conditions:
Hereditary cancer-predisposing syndrome. Also called: Neoplastic Syndromes, Hereditary; Tumor predisposition; Hereditary Cancer Syndrome; Hereditary neoplastic syndrome. Identifiers: Orphanet 140162, MedGen C0027672, MeSH D009386, MONDO:0015356.

gnomAD v4.1: 1 of 1,613,536 alleles (0.000062%); no homozygotes.

Submissions (2):

Labcorp Genetics (formerly Invitae), Labcorp
Classification: Uncertain significance. Last evaluated: 2025-10-15. Review status: criteria provided, single submitter. Criteria: Invitae Variant Classification Sherloc (09022015). Collection method: clinical testing. Allele origin: germline.
Comment: This sequence change replaces serine, which is neutral and polar, with arginine, which is basic and polar, at codon 1325 of the POLE protein (p.Ser1325Arg). This variant is not present in population databases (gnomAD no frequency). This variant has not been reported in the literature in individuals affected with POLE-related conditions. ClinVar contains an entry for this variant (Variation ID: 1736642). Invitae Evidence Modeling of protein sequence and biophysical properties (such as structural, functional, and spatial information, amino acid conservation, physicochemical variation, residue mobility, and thermodynamic stability) indicates that this missense variant is not expected to disrupt POLE protein function with a negative predictive value of 80%. In summary, the available evidence is currently insufficient to determine the role of this variant in disease. Therefore, it has been classified as a Variant of Uncertain Significance.

Ambry Genetics
Classification: Uncertain significance for Hereditary cancer-predisposing syndrome. Last evaluated: 2025-03-13. Review status: criteria provided, single submitter. Criteria: Ambry Variant Classification Scheme 2023. Collection method: clinical testing. Allele origin: germline.
Comment: The p.S1325R variant (also known as c.3975C>G), located in coding exon 31 of the POLE gene, results from a C to G substitution at nucleotide position 3975. The serine at codon 1325 is replaced by arginine, an amino acid with dissimilar properties. This amino acid position is conserved. In addition, the in silico prediction for this alteration is inconclusive. Based on the available evidence, the clinical significance of this variant remains unclear.